The following is an entry in ClinVar:

NM_004393.6(DAG1):c.1402A>G (p.Ile468Val)

Gene: DAG1 (dystroglycan 1; plus strand). Cytogenetic location: 3p21.31.
Variant type: single nucleotide variant.
Coding change: c.1402A>G on transcript NM_004393.6 (MANE Select); coding-DNA position 1402, A replaced by G.
Protein change: p.Ile468Val; replaces isoleucine 468 with valine.
Molecular consequence: missense variant.
Genome position (GRCh38, 1-based): chr3:49,531,913, A>G. VCF-style: chr3-49531913-A-G. GRCh37 (hg19) VCF-style: chr3-49569346-A-G.
Other names: c.1402A>G (NM_004393.4); c.1402A>G, p.Ile468Val (NM_001165928.4, NM_001177634.3, NM_001177635.3 and 9 more transcripts); short protein forms I468V.
Identifiers: ClinVar variation 2102438 (VCV002102438.5), dbSNP rs749336547, ClinGen allele CA2399077.

ClinVar aggregate classification (germline): Uncertain significance. Review status: criteria provided, multiple submitters, no conflicts (2 of 4 stars). 2 submissions from 2 submitters: Uncertain significance (2). Last evaluated 2025-09-10.

Conditions:
Inborn genetic diseases. Identifiers: MedGen C0950123, MeSH D030342.
Autosomal recessive limb-girdle muscular dystrophy type 2P. Also called: Limb-Girdle Muscular Dystrophy Type 9C; MUSCULAR DYSTROPHY, LIMB-GIRDLE, TYPE 2P; MUSCULAR DYSTROPHY-DYSTROGLYCANOPATHY, LIMB-GIRDLE, DAG1-RELATED. Identifiers: Orphanet 280333, MedGen C4511963, MONDO:0013440, OMIM 613818.
Muscular dystrophy-dystroglycanopathy (congenital with brain and eye anomalies), type A9. Also called: Muscular dystrophy-dystroglycanopathy (congenital with brain and eye anomalies), type a, 9; WALKER-WARBURG SYNDROME OR MUSCLE-EYE BRAIN DISEASE, DAG1-RELATED. Identifiers: Orphanet 370997, Orphanet 899, MedGen C4225291, MONDO:0014683, OMIM 616538.

Allele frequency attached by ClinVar (database versions not stated): ExAC 0.00001; gnomAD exomes 0.00001.
gnomAD v4.1: 8 of 1,614,166 alleles (0.0005%); highest among the groups gnomAD compares: South Asian, 0.0077%; no homozygotes.

Submissions (2):

Ambry Genetics
Classification: Uncertain significance for Inborn genetic diseases. Last evaluated: 2025-09-10. Review status: criteria provided, single submitter. Criteria: Ambry Variant Classification Scheme 2023. Collection method: clinical testing. Allele origin: germline.

Labcorp Genetics (formerly Invitae), Labcorp
Classification: Uncertain significance for Autosomal recessive limb-girdle muscular dystrophy type 2P; Muscular dystrophy-dystroglycanopathy (congenital with brain and eye anomalies), type A9. Last evaluated: 2022-06-13. Review status: criteria provided, single submitter. Criteria: Invitae Variant Classification Sherloc (09022015). Collection method: clinical testing. Allele origin: germline.
Comment: In summary, the available evidence is currently insufficient to determine the role of this variant in disease. Therefore, it has been classified as a Variant of Uncertain Significance. Algorithms developed to predict the effect of missense changes on protein structure and function output the following: SIFT: "Tolerated"; PolyPhen-2: "Benign"; Align-GVGD: "Class C0". The valine amino acid residue is found in multiple mammalian species, which suggests that this missense change does not adversely affect protein function. This variant has not been reported in the literature in individuals affected with DAG1-related conditions. This variant is present in population databases (rs749336547, gnomAD 0.006%). This sequence change replaces isoleucine, which is neutral and non-polar, with valine, which is neutral and non-polar, at codon 468 of the DAG1 protein (p.Ile468Val).